The following is an entry in ClinVar:

ClinVar aggregate classification (germline): Conflicting classifications of pathogenicity. Review status: criteria provided, conflicting classifications (1 of 4 stars). 3 submissions from 3 submitters: Pathogenic (1); Uncertain significance (2). Last evaluated 2026-02-19.

Conditions:
Autosomal recessive congenital ichthyosis 1 (LI1). Also called: DESQUAMATION OF NEWBORN; ICHTHYOSIS CONGENITA; ICHTHYOSIS CONGENITA II; LAMELLAR EXFOLIATION OF NEWBORN; ICHTHYOSIS, CONGENITAL, AUTOSOMAL RECESSIVE 1, WITH BATHING SUIT DISTRIBUTION; COLLODION FETUS. Identifiers: MedGen C4551630, MONDO:0009441, OMIM 242300.

Allele frequency attached by ClinVar (database versions not stated): gnomAD exomes below 0.00001 and 0.00001.
gnomAD v4.1: 3 of 1,613,990 alleles (0.00019%); highest among the groups gnomAD compares: Non-Finnish European, 0.00025%; no homozygotes.

Submissions (3):

Myriad Genetics, Inc.
Classification: Uncertain significance for Autosomal recessive congenital ichthyosis 1. Last evaluated: 2026-02-19. Review status: criteria provided, single submitter. Criteria: Myriad Autosomal Dominant, Autosomal Recessive and X-Linked Classification Criteria (2023). Collection method: clinical testing. Allele origin: unknown.
Comment: NM_000359.2(TGM1):c.1025G>T(W342L) is a missense variant classified as a variant of uncertain significance in the context of TGM1-related autosomal recessive congenital ichthyosis. W342L has been observed in a case with relevant disease (PMID: 37736478). Relevant functional assessments of this variant are not available in the literature. W342L has been observed in referenced population frequency databases. In summary, there is insufficient evidence to classify NM_000359.2(TGM1):c.1025G>T(W342L) as pathogenic or benign. Please note: this variant was assessed in the context of healthy population screening.

GeneDx
Classification: Pathogenic. Last evaluated: 2025-10-29. Review status: criteria provided, single submitter. Criteria: GeneDx Variant Classification Process June 2021. Collection method: clinical testing. Allele origin: germline. Affected: yes.
Comment: Not observed at significant frequency in large population cohorts (gnomAD); In silico analysis supports that this missense variant has a deleterious effect on protein structure/function; This variant is associated with the following publications: (PMID: 38791074, 37736478)

Labcorp Genetics (formerly Invitae), Labcorp
Classification: Uncertain significance. Last evaluated: 2025-01-08. Review status: criteria provided, single submitter. Criteria: Invitae Variant Classification Sherloc (09022015). Collection method: clinical testing. Allele origin: germline.
Comment: This sequence change replaces tryptophan, which is neutral and slightly polar, with leucine, which is neutral and non-polar, at codon 342 of the TGM1 protein (p.Trp342Leu). This variant is present in population databases (no rsID available, gnomAD 0.002%). This variant has not been reported in the literature in individuals affected with TGM1-related conditions. ClinVar contains an entry for this variant (Variation ID: 1189470). Invitae Evidence Modeling of protein sequence and biophysical properties (such as structural, functional, and spatial information, amino acid conservation, physicochemical variation, residue mobility, and thermodynamic stability) indicates that this missense variant is expected to disrupt TGM1 protein function with a positive predictive value of 95%. In summary, the available evidence is currently insufficient to determine the role of this variant in disease. Therefore, it has been classified as a Variant of Uncertain Significance.

Literature cited by the submitters: PubMed 37736478 (cited by Myriad Genetics, Inc.).

NM_000359.3(TGM1):c.1025G>T (p.Trp342Leu)

Gene: TGM1 (transglutaminase 1; minus strand). Cytogenetic location: 14q12.
Variant type: single nucleotide variant.
Coding change: c.1025G>T on transcript NM_000359.3 (MANE Select); coding-DNA position 1025, G replaced by T.
Protein change: p.Trp342Leu; replaces tryptophan 342 with leucine.
Molecular consequence: missense variant.
Genome position (GRCh38, 1-based): chr14:24,259,209, C>A on the plus strand (G>T on the coding strand, the complement: TGM1 is on the minus strand). VCF-style: chr14-24259209-C-A. GRCh37 (hg19) VCF-style: chr14-24728415-C-A.
Other names: short protein forms W342L.
Identifiers: ClinVar variation 1189470 (VCV001189470.6), dbSNP rs1490454727, ClinGen allele CA389265184.